The following is an entry in ClinVar:

ClinVar aggregate classification (germline): Pathogenic/Likely pathogenic. Review status: criteria provided, multiple submitters, no conflicts (2 of 4 stars). 2 submissions from 2 submitters: Pathogenic (1); Likely pathogenic (1). Last evaluated 2024-01-01.

Conditions:
Rubinstein-Taybi syndrome due to CREBBP mutations (RSTS1). Also called: Rubinstein-Taybi syndrome 1; BROAD THUMBS AND GREAT TOES, CHARACTERISTIC FACIES, AND IMPAIRED INTELLECTUAL DEVELOPMENT; RUBINSTEIN-TAYBI SYNDROME 1, INCOMPLETE; BROAD THUMB-HALLUX SYNDROME; CREBBP-Related Rubinstein-Taybi Syndrome; RUBINSTEIN SYNDROME. Identifiers: Orphanet 353277, Orphanet 783, MedGen C4551859, MONDO:0008393, OMIM 180849.

Submissions (2):

Daryl Scott Lab, Baylor College of Medicine
Classification: Likely pathogenic for Rubinstein-Taybi syndrome due to CREBBP mutations. Last evaluated: 2024-01-01. Review status: criteria provided, single submitter. Criteria: ACMG Guidelines, 2015. Collection method: clinical testing. Allele origin: de novo. Affected: yes. Observed: 1 heterozygote.
Comment: PS2, PM2, PP3

GeneDx
Classification: Pathogenic. Last evaluated: 2023-02-09. Review status: criteria provided, single submitter. Criteria: GeneDx Variant Classification Process June 2021. Collection method: clinical testing. Allele origin: germline. Affected: yes.
Comment: Not observed at significant frequency in large population cohorts (gnomAD); In silico analysis supports that this missense variant has a deleterious effect on protein structure/function; Has not been previously published as pathogenic or benign to our knowledge; This variant is associated with the following publications: (PMID: 27311832)

NM_004380.3(CREBBP):c.5336T>C (p.Leu1779Pro)

Gene: CREBBP (CREB binding lysine acetyltransferase; minus strand). Cytogenetic location: 16p13.3.
Variant type: single nucleotide variant.
Coding change: c.5336T>C on transcript NM_004380.3 (MANE Select); coding-DNA position 5336, T replaced by C.
Protein change: p.Leu1779Pro; replaces leucine 1779 with proline.
Molecular consequence: missense variant.
Genome position (GRCh38, 1-based): chr16:3,729,711, A>G on the plus strand (T>C on the coding strand, the complement: CREBBP is on the minus strand). VCF-style: chr16-3729711-A-G. GRCh37 (hg19) VCF-style: chr16-3779712-A-G.
Other names: c.5222T>C, p.Leu1741Pro (NM_001079846.1); short protein forms L1779P, L1741P.
Identifiers: ClinVar variation 423487 (VCV000423487.4), dbSNP rs1064796457, ClinGen allele CA16620201.